The following is an entry in ClinVar:

ClinVar aggregate classification (germline): Uncertain significance. Review status: criteria provided, multiple submitters, no conflicts (2 of 4 stars). 6 submissions from 6 submitters: Uncertain significance (5). 1 of the submissions does not count toward it. Last evaluated 2026-03-24.

Conditions:
Familial dysautonomia. Also called: FD; HSAN III. Identifiers: Orphanet 1764, MedGen C0013364, MONDO:0009131, OMIM 223900. Disease mechanism: loss of function.
Medulloblastoma (MDB). Also called: Medulloblastoma, somatic; MEDULLOBLASTOMA PREDISPOSITION SYNDROME. Identifiers: Orphanet 616, MedGen C0025149, MeSH D008527, MONDO:0007959, OMIM 155255, HP:0002885.
ELP1-related disorder. Also called: ELP1-related condition.

Allele frequency attached by ClinVar (database versions not stated): gnomAD exomes 0.00001; TOPMed 0.00001; gnomAD 0.00002.
gnomAD v4.1: 11 of 1,614,038 alleles (0.00068%); highest among the groups gnomAD compares: Non-Finnish European, 0.00093%; no homozygotes.

Submissions (6):

PreventionGenetics, part of Exact Sciences
Classification: Uncertain significance for ELP1-related condition. Last evaluated: 2026-03-24. Review status: criteria provided, single submitter. Criteria: ACMG Guidelines, 2015. Collection method: clinical testing. Allele origin: germline.
Comment: The ELP1 c.3170T>C variant is predicted to result in the amino acid substitution p.Val1057Ala. To our knowledge, this variant has not been reported in the literature or in a large population database (gnomAD), indicating this variant is rare. At this time, the clinical significance of this variant is uncertain due to the absence of conclusive functional and genetic evidence.

Ambry Genetics
Classification: Uncertain significance. Last evaluated: 2025-03-08. Review status: criteria provided, single submitter. Criteria: Ambry Variant Classification Scheme 2023. Collection method: clinical testing. Allele origin: germline.

GeneDx
Classification: Uncertain significance. Last evaluated: 2024-05-01. Review status: criteria provided, single submitter. Criteria: GeneDx Variant Classification Process June 2021. Collection method: clinical testing. Allele origin: germline. Affected: yes.
Comment: Not observed at significant frequency in large population cohorts (gnomAD); In silico analysis indicates that this missense variant does not alter protein structure/function; Has not been previously published as pathogenic or benign to our knowledge

Labcorp Genetics (formerly Invitae), Labcorp
Classification: Uncertain significance. Last evaluated: 2022-08-21. Review status: criteria provided, single submitter. Criteria: Invitae Variant Classification Sherloc (09022015). Collection method: clinical testing. Allele origin: germline.
Comment: This sequence change replaces valine, which is neutral and non-polar, with alanine, which is neutral and non-polar, at codon 1057 of the ELP1 protein (p.Val1057Ala). This variant is not present in population databases (gnomAD no frequency). This variant has not been reported in the literature in individuals affected with ELP1-related conditions. ClinVar contains an entry for this variant (Variation ID: 953149). Algorithms developed to predict the effect of missense changes on protein structure and function output the following: SIFT: "Tolerated"; PolyPhen-2: "Benign"; Align-GVGD: "Class C0". The alanine amino acid residue is found in multiple mammalian species, which suggests that this missense change does not adversely affect protein function. In summary, the available evidence is currently insufficient to determine the role of this variant in disease. Therefore, it has been classified as a Variant of Uncertain Significance.

Fulgent Genetics
Classification: Uncertain significance for Medulloblastoma; Familial dysautonomia. Last evaluated: 2021-10-28. Review status: criteria provided, single submitter. Criteria: ACMG Guidelines, 2015. Collection method: clinical testing. Allele origin: unknown.

Natera, Inc.
Classification: Uncertain significance for Familial dysautonomia. Last evaluated: 2020-12-18. Review status: no assertion criteria provided. Collection method: clinical testing. Allele origin: germline. Not counted in ClinVar's aggregate classification.

NM_003640.5(ELP1):c.3170T>C (p.Val1057Ala)

Gene: ELP1 (elongator acetyltransferase complex subunit 1; minus strand). Cytogenetic location: 9q31.3.
Variant type: single nucleotide variant.
Coding change: c.3170T>C on transcript NM_003640.5 (MANE Select); coding-DNA position 3170, T replaced by C.
Protein change: p.Val1057Ala; replaces valine 1057 with alanine.
Molecular consequence: missense variant.
Genome position (GRCh38, 1-based): chr9:108,889,384, A>G on the plus strand (T>C on the coding strand, the complement: ELP1 is on the minus strand). VCF-style: chr9-108889384-A-G. GRCh37 (hg19) VCF-style: chr9-111651664-A-G.
Other names: c.2828T>C, p.Val943Ala (NM_001318360.2); c.2123T>C, p.Val708Ala (NM_001330749.2); c.3170T>C (NM_003640.4); short protein forms V708A, V943A, V1057A.
Identifiers: ClinVar variation 953149 (VCV000953149.12), dbSNP rs147069577, ClinGen allele CA197528451.